The following is an entry in ClinVar:

ClinVar aggregate classification (germline): Uncertain significance. Review status: criteria provided, multiple submitters, no conflicts (2 of 4 stars). 2 submissions from 2 submitters: Uncertain significance (2). Last evaluated 2024-11-11.

Allele frequency attached by ClinVar (database versions not stated): TOPMed below 0.00001; gnomAD 0.00001; gnomAD exomes 0.00001; ExAC 0.00002; 1000 Genomes Project 30x 0.00016; 1000 Genomes Project 0.00020.
gnomAD v4.1: 9 of 1,614,154 alleles (0.00056%); highest among the groups gnomAD compares: East Asian, 0.018%; no homozygotes.

Submissions (2):

Labcorp Genetics (formerly Invitae), Labcorp
Classification: Uncertain significance. Last evaluated: 2024-11-11. Review status: criteria provided, single submitter. Criteria: Invitae Variant Classification Sherloc (09022015). Collection method: clinical testing. Allele origin: germline.
Comment: This sequence change replaces proline, which is neutral and non-polar, with alanine, which is neutral and non-polar, at codon 188 of the DSTYK protein (p.Pro188Ala). This variant is present in population databases (rs199944046, gnomAD 0.03%). This variant has not been reported in the literature in individuals affected with DSTYK-related conditions. ClinVar contains an entry for this variant (Variation ID: 2887783). An algorithm developed to predict the effect of missense changes on protein structure and function (PolyPhen-2) suggests that this variant is likely to be disruptive. In summary, the available evidence is currently insufficient to determine the role of this variant in disease. Therefore, it has been classified as a Variant of Uncertain Significance.

Ambry Genetics
Classification: Uncertain significance. Last evaluated: 2024-01-03. Review status: criteria provided, single submitter. Criteria: Ambry Variant Classification Scheme 2023. Collection method: clinical testing. Allele origin: germline.

NM_015375.3(DSTYK):c.562C>G (p.Pro188Ala)

Gene: DSTYK (dual serine/threonine and tyrosine protein kinase; minus strand). Cytogenetic location: 1q32.1.
Variant type: single nucleotide variant.
Coding change: c.562C>G on transcript NM_015375.3 (MANE Select); coding-DNA position 562, C replaced by G.
Protein change: p.Pro188Ala; replaces proline 188 with alanine.
Molecular consequence: missense variant.
Genome position (GRCh38, 1-based): chr1:205,187,510, G>C on the plus strand (C>G on the coding strand, the complement: DSTYK is on the minus strand). VCF-style: chr1-205187510-G-C. GRCh37 (hg19) VCF-style: chr1-205156638-G-C.
Other names: c.562C>G (NM_015375.2); c.562C>G, p.Pro188Ala (NM_199462.3); short protein forms P188A.
Identifiers: ClinVar variation 2887783 (VCV002887783.4), dbSNP rs199944046, ClinGen allele CA1353017.